The following is an entry in ClinVar:

ClinVar aggregate classification (germline): Pathogenic. Review status: criteria provided, multiple submitters, no conflicts (2 of 4 stars). 2 submissions from 2 submitters: Pathogenic (2). Last evaluated 2022-03-27.

Conditions:
Sensorineural hearing loss disorder. Also called: Sensorineural hearing loss; Sensorineural hearing impairment; Sensorineural Deafness. Identifiers: MedGen C0018784, MeSH D006319, MONDO:0020678, HP:0000407.

Submissions (2):

Labcorp Genetics (formerly Invitae), Labcorp
Classification: Pathogenic. Last evaluated: 2022-03-27. Review status: criteria provided, single submitter. Criteria: Invitae Variant Classification Sherloc (09022015). Collection method: clinical testing. Allele origin: germline.
Comment: This sequence change replaces proline, which is neutral and non-polar, with serine, which is neutral and polar, at codon 988 of the SLC12A2 protein (p.Pro988Ser). For these reasons, this variant has been classified as Pathogenic. Advanced modeling of protein sequence and biophysical properties (such as structural, functional, and spatial information, amino acid conservation, physicochemical variation, residue mobility, and thermodynamic stability) performed at Invitae indicates that this missense variant is not expected to disrupt SLC12A2 protein function. ClinVar contains an entry for this variant (Variation ID: 972899). This missense change has been observed in individual(s) with autosomal dominant deafness (PMID: 34374074). It has also been observed to segregate with disease in related individuals. This variant is not present in population databases (gnomAD no frequency).

Hereditary Hearing Loss Research Unit, University of Madras
Classification: Pathogenic for Sensorineural hearing loss. Review status: criteria provided, single submitter. Criteria: ACMG Guidelines, 2015. Collection method: case-control. Allele origin: germline. Inheritance: Autosomal dominant inheritance. Affected: yes. Observed: 5 variant alleles, 5 heterozygotes. Clinical features observed: Autosomal dominant non-syndromic sensorineural deafness type DFNA.

Literature cited by the submitters: PubMed 34374074 (cited by Labcorp Genetics (formerly Invitae), Labcorp).

NM_001046.3(SLC12A2):c.2962C>T (p.Pro988Ser)

Gene: SLC12A2 (solute carrier family 12 member 2; plus strand). Cytogenetic location: 5q23.3.
Variant type: single nucleotide variant.
Coding change: c.2962C>T on transcript NM_001046.3 (MANE Select); coding-DNA position 2962, C replaced by T.
Protein change: p.Pro988Ser; replaces proline 988 with serine.
Molecular consequence: missense variant. On other transcripts: non-coding transcript variant (1), intron variant (1).
Genome position (GRCh38, 1-based): chr5:128,177,137, C>T. VCF-style: chr5-128177137-C-T. GRCh37 (hg19) VCF-style: chr5-127512829-C-T.
Other names: c.2930-1430C>T (NM_001256461.2); short protein forms P988S.
Identifiers: ClinVar variation 972899 (VCV000972899.7), dbSNP rs1581138965, ClinGen allele CA360737997.